The following is an entry in ClinVar:

ClinVar aggregate classification (germline): Uncertain significance (1 of 4 stars; one submission).

gnomAD v4.1: 21 of 1,613,748 alleles (0.0013%); highest among the groups gnomAD compares: Non-Finnish European, 0.0016%; no homozygotes.

Submission:

Women's Health and Genetics/Laboratory Corporation of America, LabCorp
Classification: Uncertain significance. Last evaluated: 2026-06-15. Review status: criteria provided, single submitter. Criteria: LabCorp Variant Classification Summary - May 2015. Collection method: clinical testing. Allele origin: germline.
Comment: Variant summary: ABCA1 c.2563C>T (p.Pro855Ser) results in a non-conservative amino acid change in the encoded protein sequence. Algorithms developed to predict the effect of missense changes on protein structure and function all suggest that this variant is likely to be disruptive. The variant allele was found at a frequency of 4e-06 in 251432 control chromosomes. The available data on variant occurrences in the general population are insufficient to allow any conclusion about variant significance. To our knowledge, no occurrence of c.2563C>T in individuals affected with ABCA1-related conditions and no experimental evidence demonstrating its impact on protein function have been reported. No submitters have cited clinical-significance assessments for this variant to ClinVar. Based on the evidence outlined above, the variant was classified as uncertain significance.

NM_005502.4(ABCA1):c.2563C>T (p.Pro855Ser)

Gene: ABCA1 (ATP binding cassette subfamily A member 1; minus strand). Cytogenetic location: 9q31.1.
Variant type: single nucleotide variant.
Coding change: c.2563C>T on transcript NM_005502.4 (MANE Select); coding-DNA position 2563, C replaced by T.
Protein change: p.Pro855Ser; replaces proline 855 with serine.
Molecular consequence: missense variant.
Genome position (GRCh38, 1-based): chr9:104,824,558, G>A on the plus strand (C>T on the coding strand, the complement: ABCA1 is on the minus strand). VCF-style: chr9-104824558-G-A. GRCh37 (hg19) VCF-style: chr9-107586839-G-A.
Other names: short protein forms P855S.
Identifiers: ClinVar variation 4887254 (VCV004887254.1).
Genomic context (GRCh38, chr9:104,824,558, plus strand): 5'-GGCTCTTCTCATCACTTTCCTCGCCAAACCAGTAGGACTTGGTGCAAGGAAAATACCAGG[G>A]CCTGGGAATTCCGTACTGGCCTGAAAGCAAAGCACAGGTATGAGCCAAGCTCAGCATCAT-3'
Protein context (NP_005493.2, residues 845-865): VFPGQYGIPR[Pro855Ser]WYFPCTKSYW